The following is an entry in ClinVar:

ClinVar aggregate classification (germline): Uncertain significance. Review status: criteria provided, multiple submitters, no conflicts (2 of 4 stars). 4 submissions from 4 submitters: Uncertain significance (3). 1 of the submissions does not count toward it. Last evaluated 2025-11-26.

Conditions:
Retinitis pigmentosa 71 (RP71). Identifiers: Orphanet 791, MedGen C4225342, MONDO:0014618, OMIM 616394.
Short-rib thoracic dysplasia 10 with or without polydactyly (SRTD10). Identifiers: Orphanet 474, MedGen C3810175, MONDO:0014284, OMIM 615630.
Inborn genetic diseases. Identifiers: MedGen C0950123, MeSH D030342.
IFT172-related disorder. Also called: IFT172-related condition; IFT172-related disorders.
Bardet-Biedl syndrome 20. Identifiers: MedGen C4310707, MONDO:0023670, OMIM 619471, MONDO:0014926.

Allele frequency attached by ClinVar (database versions not stated): ExAC 0.00004; gnomAD exomes 0.00004.

Submissions (4):

Labcorp Genetics (formerly Invitae), Labcorp
Classification: Uncertain significance for Retinitis pigmentosa 71; Short-rib thoracic dysplasia 10 with or without polydactyly. Last evaluated: 2025-11-26. Review status: criteria provided, single submitter. Criteria: Invitae Variant Classification Sherloc (09022015). Collection method: clinical testing. Allele origin: germline.
Comment: This sequence change replaces glycine, which is neutral and non-polar, with alanine, which is neutral and non-polar, at codon 309 of the IFT172 protein (p.Gly309Ala). This variant is present in population databases (rs749612277, gnomAD 0.03%). This variant has not been reported in the literature in individuals affected with IFT172-related conditions. ClinVar contains an entry for this variant (Variation ID: 1001636). Invitae Evidence Modeling of protein sequence and biophysical properties (such as structural, functional, and spatial information, amino acid conservation, physicochemical variation, residue mobility, and thermodynamic stability) indicates that this missense variant is not expected to disrupt IFT172 protein function with a negative predictive value of 95%. In summary, the available evidence is currently insufficient to determine the role of this variant in disease. Therefore, it has been classified as a Variant of Uncertain Significance.

Fulgent Genetics
Classification: Uncertain significance for Short-rib thoracic dysplasia 10 with or without polydactyly; Retinitis pigmentosa 71; Bardet-Biedl syndrome 20. Last evaluated: 2024-03-26. Review status: criteria provided, single submitter. Criteria: ACMG Guidelines, 2015. Collection method: clinical testing. Allele origin: germline.

Ambry Genetics
Classification: Uncertain significance for Inborn genetic diseases. Last evaluated: 2022-01-04. Review status: criteria provided, single submitter. Criteria: Ambry Variant Classification Scheme 2023. Collection method: clinical testing. Allele origin: germline.

PreventionGenetics, part of Exact Sciences
Classification: Uncertain significance for IFT172-related condition. Last evaluated: 2024-05-17. Review status: no assertion criteria provided. Collection method: clinical testing. Allele origin: germline. Not counted in ClinVar's aggregate classification.
Comment: The IFT172 c.926G>C variant is predicted to result in the amino acid substitution p.Gly309Ala. To our knowledge, this variant has not been reported in the literature. This variant is reported in 0.016% of alleles in individuals of Admixed American descent in gnomAD. At this time, the clinical significance of this variant is uncertain due to the absence of conclusive functional and genetic evidence.

NM_015662.3(IFT172):c.926G>C (p.Gly309Ala)

Gene: IFT172 (intraflagellar transport 172; minus strand). Cytogenetic location: 2p23.3.
Variant type: single nucleotide variant.
Coding change: c.926G>C on transcript NM_015662.3 (MANE Select); coding-DNA position 926, G replaced by C.
Protein change: p.Gly309Ala; replaces glycine 309 with alanine.
Molecular consequence: missense variant.
Genome position (GRCh38, 1-based): chr2:27,479,588, C>G on the plus strand (G>C on the coding strand, the complement: IFT172 is on the minus strand). VCF-style: chr2-27479588-C-G. GRCh37 (hg19) VCF-style: chr2-27702455-C-G.
Other names: c.926G>C (NM_015662.2, NM_015662.1); short protein forms G309A.
Identifiers: ClinVar variation 1001636 (VCV001001636.13), dbSNP rs749612277, ClinGen allele CA1580820.